The following is an entry in ClinVar:

ClinVar aggregate classification (germline): Pathogenic (1 of 4 stars; one submission).

Conditions:
Cystic fibrosis (CF). Also called: MUCOVISCIDOSIS. Identifiers: Orphanet 586, MedGen C0010674, MONDO:0009061, OMIM 219700. Disease mechanism: loss of function.

Submission:

Labcorp Genetics (formerly Invitae), Labcorp
Classification: Pathogenic for Cystic fibrosis. Last evaluated: 2019-08-23. Review status: criteria provided, single submitter. Criteria: Invitae Variant Classification Sherloc (09022015). Collection method: clinical testing. Allele origin: germline.
Comment: This variant is an out-of-frame deletion of the genomic region encompassing exons 4-6 of the CFTR gene. This is expected to create a premature translational stop signal and result in an absent or disrupted protein product. A similar deletion of exons 4-6a has been observed in an individual affected with cystic fibrosis (PMID: 16362824). Loss-of-function variants in CFTR are known to be pathogenic (PMID: 1695717, 7691345, 9725922). For these reasons, this variant has been classified as Pathogenic.

Literature cited by the submitters: PubMed 16362824.

NC_000007.14:g.(?_117530879)_(117535431_?)del

Gene: CFTR (CF transmembrane conductance regulator; plus strand). Cytogenetic location: 7q31.2.
Variant type: Deletion.
Identifiers: ClinVar variation 831585 (VCV000831585.1).